The following is an entry in ClinVar:

ClinVar aggregate classification (germline): Uncertain significance (1 of 4 stars; one submission).

Submission:

GeneDx
Classification: Uncertain significance. Last evaluated: 2021-01-15. Review status: criteria provided, single submitter. Criteria: GeneDx Variant Classification Process June 2021. Collection method: clinical testing. Allele origin: germline. Affected: yes.
Comment: Not observed in large population cohorts (Lek et al., 2016); Located in a region that tolerates variation and lacks pathogenic variants; In-silico analysis, which includes splice predictors and evolutionary conservation, is inconclusive as to whether the variant alters gene splicing. In the absence of RNA/functional studies, the actual effect of this sequence change is unknown.; Has not been previously published as pathogenic or benign to our knowledge

NM_001005361.3(DNM2):c.386-5C>G

Gene: DNM2 (dynamin 2; plus strand). Cytogenetic location: 19p13.2.
Variant type: single nucleotide variant.
Coding change: c.386-5C>G on transcript NM_001005361.3 (MANE Select); 5 bases into the intron before coding-DNA position 386, C replaced by G.
Molecular consequence: intron variant.
Genome position (GRCh38, 1-based): chr19:10,775,698, C>G. VCF-style: chr19-10775698-C-G. GRCh37 (hg19) VCF-style: chr19-10886374-C-G.
Other names: c.386-5C>G (NM_001005360.3, NM_001190716.2, NM_004945.4 and 1 more transcripts).
Identifiers: ClinVar variation 1314061 (VCV001314061.2), dbSNP rs1456914211, ClinGen allele CA2573054695.